The following is an entry in ClinVar:

NM_006565.4(CTCF):c.673G>A (p.Val225Ile)

Gene: CTCF (CCCTC-binding factor; plus strand). Cytogenetic location: 16q22.1.
Variant type: single nucleotide variant.
Coding change: c.673G>A on transcript NM_006565.4 (MANE Select); coding-DNA position 673, G replaced by A.
Protein change: p.Val225Ile; replaces valine 225 with isoleucine.
Molecular consequence: missense variant. On other transcripts: intron variant (1).
Genome position (GRCh38, 1-based): chr16:67,611,505, G>A. VCF-style: chr16-67611505-G-A. GRCh37 (hg19) VCF-style: chr16-67645408-G-A.
Other names: c.673G>A, p.Val225Ile (NM_001363916.2); c.-32-5240G>A (NM_001191022.2); short protein forms V225I.
Identifiers: ClinVar variation 3777441 (VCV003777441.2).

ClinVar aggregate classification (germline): Uncertain significance. Review status: criteria provided, multiple submitters, no conflicts (2 of 4 stars). 2 submissions from 2 submitters: Uncertain significance (2). Last evaluated 2024-10-09.

gnomAD v4.1: 2 of 1,614,196 alleles (0.00012%); highest among the groups gnomAD compares: African/African-American, 0.0027%; no homozygotes.

Submissions (2):

GeneDx
Classification: Uncertain significance. Last evaluated: 2024-10-09. Review status: criteria provided, single submitter. Criteria: GeneDx Variant Classification Process June 2021. Collection method: clinical testing. Allele origin: germline. Affected: yes.
Comment: Not observed at significant frequency in large population cohorts (gnomAD); In silico analysis indicates that this missense variant does not alter protein structure/function; Has not been previously published as pathogenic or benign to our knowledge

Blueprint Genetics
Classification: Uncertain significance. Last evaluated: 2020-08-05. Review status: criteria provided, single submitter. Criteria: ACMG Guidelines, 2015. Collection method: clinical testing. Allele origin: germline.